The following is an entry in ClinVar:

NM_000059.4(BRCA2):c.10061del (p.Ser3354fs)

Gene: BRCA2 (BRCA2 DNA repair associated; plus strand). Cytogenetic location: 13q13.1.
Variant type: Deletion.
Coding change: c.10061del on transcript NM_000059.4 (MANE Select); coding-DNA position 10061, one base deleted (C; older notation c.10061delC).
Protein change: p.Ser3354fs; shifts the reading frame from serine 3354.
Molecular consequence: frameshift variant.
Genome position (GRCh38, 1-based): chr13:32,398,574, C deleted. VCF-style (leftmost placement, unchanged base first): chr13-32398573-TC-T. GRCh37 (hg19) VCF-style: chr13-32972710-TC-T.
Other names: short protein forms S3354fs.
Identifiers: ClinVar variation 928849 (VCV000928849.22), dbSNP rs2073055112, ClinGen allele CA1139663167.

ClinVar aggregate classification (germline): Conflicting classifications of pathogenicity. Review status: criteria provided, conflicting classifications (1 of 4 stars). 3 submissions from 3 submitters: Uncertain significance (1); Likely benign (1). 1 of the submissions does not count toward it. Last evaluated 2022-09-26.

Conditions:
Gastric cancer. Also called: Stomach cancer; Malignant tumor of stomach. Identifiers: MedGen C0024623, MeSH D013274, MONDO:0001056, OMIM 613659, HP:0012126.
Hereditary breast ovarian cancer syndrome. Also called: Hereditary breast and ovarian cancer syndrome; Breast and ovarian cancer; Hereditary breast and/or ovarian cancer syndrome; Hereditary breast and ovarian cancer syndrome (HBOC); Hereditary breast and ovarian cancer; BRCA1- and BRCA2-Associated Hereditary Breast and Ovarian Cancer. Identifiers: Orphanet 145, MedGen C0677776, MeSH D061325, MONDO:0003582. Disease mechanism: loss of function.

Submissions (3):

Labcorp Genetics (formerly Invitae), Labcorp
Classification: Likely benign for Hereditary breast ovarian cancer syndrome. Last evaluated: 2022-09-26. Review status: criteria provided, single submitter. Criteria: Invitae Variant Classification Sherloc (09022015). Collection method: clinical testing. Allele origin: germline.

Women's Health and Genetics/Laboratory Corporation of America, LabCorp
Classification: Uncertain significance. Last evaluated: 2019-12-17. Review status: criteria provided, single submitter. Criteria: LabCorp Variant Classification Summary - May 2015. Collection method: clinical testing. Allele origin: germline.
Comment: Variant summary: BRCA2 c.10061delC (p.Ser3354LeufsX29) results in a premature termination codon, predicted to cause a truncation of the encoded protein or absence of the protein due to nonsense mediated decay, which are commonly known mechanisms for disease. This variant is located downstream of a well-known polymorphism c.9976A>T (p.Lys3326X), that results in a truncated protein, suggesting that the region of the BRCA2 gene beyond codon 3326 is not crucial for proper function. The variant was absent in 251146 control chromosomes (gnomAD). To our knowledge, no occurrence of c.10061delC in individuals affected with Hereditary Breast and Ovarian Cancer and no experimental evidence demonstrating its impact on protein function have been reported. No clinical diagnostic laboratories have submitted clinical-significance assessments for this variant to ClinVar after 2014. Based on the evidence outlined above, the variant was classified as uncertain significance.

Laboratory for Genotyping Development, RIKEN
Classification: Pathogenic for Gastric cancer. Last evaluated: 2021-07-01. Review status: no assertion criteria provided. Collection method: research. Allele origin: germline. Not counted in ClinVar's aggregate classification.

Literature cited by the submitters: PubMed 36988593 (cited by Laboratory for Genotyping Development, RIKEN).